The following is an entry in ClinVar:

ClinVar aggregate classification (germline): Uncertain significance. Review status: criteria provided, multiple submitters, no conflicts (2 of 4 stars). 3 submissions from 3 submitters: Uncertain significance (3). Last evaluated 2024-04-11.

Allele frequency attached by ClinVar (database versions not stated): gnomAD 0.00012; TOPMed 0.00017; 1000 Genomes Project 30x 0.00031.
gnomAD v4.1: 36 of 1,567,404 alleles (0.0023%); highest among the groups gnomAD compares: African/African-American, 0.047%; no homozygotes.

Submissions (3):

Blueprint Genetics
Classification: Uncertain significance. Last evaluated: 2024-04-11. Review status: criteria provided, single submitter. Criteria: ACMG Guidelines, 2015. Collection method: clinical testing. Allele origin: germline.

Labcorp Genetics (formerly Invitae), Labcorp
Classification: Uncertain significance. Last evaluated: 2024-03-04. Review status: criteria provided, single submitter. Criteria: Invitae Variant Classification Sherloc (09022015). Collection method: clinical testing. Allele origin: germline.
Comment: This sequence change replaces methionine, which is neutral and non-polar, with isoleucine, which is neutral and non-polar, at codon 596 of the CEP78 protein (p.Met596Ile). This variant is present in population databases (rs764717498, gnomAD 0.05%). This variant has not been reported in the literature in individuals affected with CEP78-related conditions. ClinVar contains an entry for this variant (Variation ID: 935296). Advanced modeling of protein sequence and biophysical properties (such as structural, functional, and spatial information, amino acid conservation, physicochemical variation, residue mobility, and thermodynamic stability) performed at Invitae indicates that this missense variant is not expected to disrupt CEP78 protein function with a negative predictive value of 80%. In summary, the available evidence is currently insufficient to determine the role of this variant in disease. Therefore, it has been classified as a Variant of Uncertain Significance.

Breakthrough Genomics
Classification: Uncertain significance. Review status: criteria provided, single submitter. Criteria: ACMG Guidelines, 2015. Collection method: not provided. Allele origin: germline. Inheritance: Autosomal recessive inheritance. Affected: yes.

NM_001330691.3(CEP78):c.1785G>C (p.Met595Ile)

Gene: CEP78 (centrosomal protein 78; plus strand). Cytogenetic location: 9q21.2.
Variant type: single nucleotide variant.
Coding change: c.1785G>C on transcript NM_001330691.3 (MANE Select); coding-DNA position 1785, G replaced by C.
Protein change: p.Met595Ile; replaces methionine 595 with isoleucine.
Molecular consequence: missense variant.
Genome position (GRCh38, 1-based): chr9:78,265,531, G>C. VCF-style: chr9-78265531-G-C. GRCh37 (hg19) VCF-style: chr9-80880447-G-C.
Other names: c.1788G>C, p.Met596Ile (NM_001098802.3, NM_001349839.2, NM_001349840.2 and 1 more transcripts); c.1785G>C, p.Met595Ile (NM_001330693.3, NM_001330694.2, NM_001349838.2); short protein forms M596I, M595I.
Identifiers: ClinVar variation 935296 (VCV000935296.8), dbSNP rs764717498, ClinGen allele CA5095351.
Genomic context (GRCh38, chr9:78,265,531, plus strand): 5'-AGAAAAGAAGGCGCTTGAAGATGAAAAACCAGAACCGAAGCAGAATGCCCTAGGGCAAAT[G>C]CAAAATATCCAGGTAAATGAATAGAACAGAACTTAGTGATTCTACAAGTGATTAGCAAAA-3'
Protein context (NP_001317620.1, residues 585-605): PEPKQNALGQ[Met595Ile]QNIQVSICMQ